The following is an entry in ClinVar:

ClinVar aggregate classification (germline): Uncertain significance (1 of 4 stars; one submission).

Conditions:
Melnick-Needles syndrome (MNS). Also called: MELNICK-NEEDLES OSTEODYSPLASTY; Melnick-Needles Syndrome (FLNA-MNS); OSTEODYSPLASTY OF MELNICK AND NEEDLES. Identifiers: Orphanet 2484, MedGen C0025237, MONDO:0010650, OMIM 309350.
Frontometaphyseal dysplasia (FMD1). Identifiers: Orphanet 1826, MedGen C0265293, MONDO:0015942.
Heterotopia, periventricular, X-linked dominant (PVNH1). Also called: PERIVENTRICULAR NODULAR HETEROTOPIA 1; X-linked periventricular heterotopia; PERIVENTRICULAR NODULAR HETEROTOPIA 4; HETEROTOPIA, PERIVENTRICULAR, 1. Identifiers: Orphanet 2149, Orphanet 82004, MedGen C1848213, MONDO:0010233, OMIM 300049.
Oto-palato-digital syndrome, type II (OPD2). Also called: FACIOPALATOOSSEOUS SYNDROME; Otopalatodigital Syndrome Type 2 (FLNA-OPD2); OPD II SYNDROME; Otopalatodigital Syndrome, Type II. Identifiers: Orphanet 669, Orphanet 90652, MedGen C1844696, MONDO:0010571, OMIM 304120.

Submission:

Labcorp Genetics (formerly Invitae), Labcorp
Classification: Uncertain significance for Oto-palato-digital syndrome, type II; Heterotopia, periventricular, X-linked dominant; Frontometaphyseal dysplasia; Melnick-Needles syndrome. Last evaluated: 2021-01-18. Review status: criteria provided, single submitter. Criteria: Invitae Variant Classification Sherloc (09022015). Collection method: clinical testing. Allele origin: germline.
Comment: In summary, the available evidence is currently insufficient to determine the role of this variant in disease. Therefore, it has been classified as a Variant of Uncertain Significance. Experimental studies and prediction algorithms are not available or were not evaluated, and the functional significance of this variant is currently unknown. This variant has not been reported in the literature in individuals with FLNA-related conditions. This variant is not present in population databases (ExAC no frequency). This variant, c.5916_5921dup, results in the insertion of 2 amino acid(s) to the FLNA protein (p.Ser1973_Leu1974dup), but otherwise preserves the integrity of the reading frame.

NM_001110556.2(FLNA):c.5940_5945dup (p.Ser1981_Leu1982dup)

Gene: FLNA (filamin A; minus strand). Cytogenetic location: Xq28.
Variant type: Duplication.
Coding change: c.5940_5945dup on transcript NM_001110556.2 (MANE Select); coding-DNA positions 5940 to 5945, 6 bases duplicated (CAGCCT; older notation c.5940_5945dupCAGCCT).
Protein change: p.Ser1981_Leu1982dup.
Molecular consequence: inframe insertion.
Genome position (GRCh38, 1-based): chrX:154,353,373-154,353,378, AGGCTG duplicated on the plus strand (CAGCCT on the coding strand, the reverse complement: FLNA is on the minus strand); duplicating any 6 consecutive bases within chrX:154,353,373-154,353,380 gives the same sequence; the c. name uses the placement nearest the transcript's 3' end. VCF-style (leftmost placement, unchanged base first): chrX-154353372-C-CAGGCTG. GRCh37 (hg19) VCF-style: chrX-153581740-C-CAGGCTG.
Other names: c.5916_5921dup, p.Ser1973_Leu1974dup (NM_001456.4).
Identifiers: ClinVar variation 1422285 (VCV001422285.8), dbSNP rs2148105435, ClinGen allele CA2573159426.